The following is an entry in ClinVar:

NM_007157.4(ZXDB):c.2220G>A (p.Ser740=)

Gene: ZXDB (zinc finger X-linked duplicated B; plus strand). Cytogenetic location: Xp11.21.
Variant type: single nucleotide variant.
Coding change: c.2220G>A on transcript NM_007157.4 (MANE Select); coding-DNA position 2220, G replaced by A.
Protein change: p.Ser740=; no amino-acid change (serine 740 retained).
Molecular consequence: synonymous variant.
Genome position (GRCh38, 1-based): chrX:57,594,268, G>A. VCF-style: chrX-57594268-G-A. GRCh37 (hg19) VCF-style: chrX-57620701-G-A.
Identifiers: ClinVar variation 2660732 (VCV002660732.24), dbSNP rs148466824, ClinGen allele CA10431304.

ClinVar aggregate classification (germline): Likely benign (1 of 4 stars; one submission).

Allele frequency attached by ClinVar (database versions not stated): TOPMed 0.00003.
gnomAD v4.1: 26 of 1,209,427 alleles (0.0021%); highest among the groups gnomAD compares: Non-Finnish European, 0.0026%; no homozygotes.

Submission:

CeGaT Center for Human Genetics Tuebingen
Classification: Likely benign. Last evaluated: 2023-04-01. Review status: criteria provided, single submitter. Criteria: CeGaT Center For Human Genetics Tuebingen Variant Classification Criteria Version 2. Collection method: clinical testing. Allele origin: germline. Affected: yes. Observed: 1 variant allele.
Comment: ZXDB: BP4, BP7